The following is an entry in ClinVar:

ClinVar aggregate classification (germline): Benign/Likely benign. Review status: criteria provided, multiple submitters, no conflicts (2 of 4 stars). 6 submissions from 6 submitters: Benign (2); Likely benign (4). Last evaluated 2025-11-23.

Conditions:
Isolated focal cortical dysplasia type II (FCORD2). Also called: Focal cortical dysplasia type II; CORTICAL DYSPLASIA OF TAYLOR. Identifiers: Orphanet 268994, MedGen C1846385, MONDO:0011818, OMIM 607341, HP:0032051.
Tuberous sclerosis 2 (TSC2). Identifiers: Orphanet 805, MedGen C1860707, MONDO:0013199, OMIM 613254.
Lymphangiomyomatosis (LAM). Also called: Lymphangioleiomyomatosis; Lymphangioleiomyomatosis, somatic. Identifiers: Orphanet 538, MedGen C0751674, MONDO:0011705, OMIM 606690.
Tuberous sclerosis syndrome (TSC). Also called: Tuberous Sclerosis Complex; Tuberous sclerosis. Identifiers: Orphanet 805, MedGen C0041341, MONDO:0001734.
Hereditary cancer-predisposing syndrome. Also called: Tumor predisposition; Hereditary Cancer Syndrome; Hereditary neoplastic syndrome; Neoplastic Syndromes, Hereditary. Identifiers: Orphanet 140162, MedGen C0027672, MeSH D009386, MONDO:0015356.

Allele frequency attached by ClinVar (database versions not stated): gnomAD 0.00001; gnomAD exomes 0.00003; TOPMed 0.00003.
gnomAD v4.1: 9 of 1,611,560 alleles (0.00056%); highest among the groups gnomAD compares: Admixed American, 0.013%; no homozygotes.

Submissions (6):

Labcorp Genetics (formerly Invitae), Labcorp
Classification: Benign for Tuberous sclerosis 2. Last evaluated: 2025-11-23. Review status: criteria provided, single submitter. Criteria: Invitae Variant Classification Sherloc (09022015). Collection method: clinical testing. Allele origin: germline.

Myriad Genetics, Inc.
Classification: Benign for Tuberous sclerosis 2. Last evaluated: 2025-06-05. Review status: criteria provided, single submitter. Criteria: Myriad Autosomal Dominant, Autosomal Recessive and X-Linked Classification Criteria (2023). Collection method: clinical testing. Allele origin: unknown.
Comment: This variant is considered benign. This variant is a silent/synonymous amino acid change and it is not expected to impact splicing.

All of Us Research Program, National Institutes of Health
Classification: Likely benign for Tuberous sclerosis syndrome. Last evaluated: 2024-03-14. Review status: criteria provided, single submitter. Criteria: ACMG Guidelines, 2015. Collection method: clinical testing. Allele origin: germline. Inheritance: Autosomal dominant inheritance. Observed: 1 variant allele, 1 heterozygote.
Comment: This study involves interpretation of variants in research participants for the purpose of population health screening. Participant phenotype was not available at the time of variant classification. Additional details can be found in publication PMID: 35346344, PMCID: PMC8962531

Color Diagnostics, LLC DBA Color Health
Classification: Likely benign for Tuberous sclerosis syndrome. Last evaluated: 2022-11-06. Review status: criteria provided, single submitter. Criteria: ACMG Guidelines, 2015. Collection method: clinical testing. Allele origin: germline.

Fulgent Genetics
Classification: Likely benign for Lymphangiomyomatosis; Isolated focal cortical dysplasia type II; Tuberous sclerosis 2. Last evaluated: 2022-04-22. Review status: criteria provided, single submitter. Criteria: ACMG Guidelines, 2015. Collection method: clinical testing. Allele origin: unknown.

Ambry Genetics
Classification: Likely benign for Hereditary cancer-predisposing syndrome. Last evaluated: 2020-09-15. Review status: criteria provided, single submitter. Criteria: Ambry Variant Classification Scheme 2023. Collection method: clinical testing. Allele origin: germline.

NM_000548.5(TSC2):c.5031C>T (p.Asp1677=)

Gene: TSC2 (TSC complex subunit 2; plus strand). Cytogenetic location: 16p13.3.
Variant type: single nucleotide variant.
Coding change: c.5031C>T on transcript NM_000548.5 (MANE Select); coding-DNA position 5031, C replaced by T.
Protein change: p.Asp1677=; no amino-acid change (aspartic acid 1677 retained).
Molecular consequence: synonymous variant.
Genome position (GRCh38, 1-based): chr16:2,087,904, C>T. VCF-style: chr16-2087904-C-T. GRCh37 (hg19) VCF-style: chr16-2137905-C-T.
Other names: c.4830C>T, p.Asp1610= (NM_001077183.3); c.4962C>T, p.Asp1654= (NM_001114382.3); c.4722C>T, p.Asp1574= (NM_001318827.2); c.4686C>T, p.Asp1562= (NM_001318829.2); c.4299C>T, p.Asp1433= (NM_001318831.2); c.4863C>T, p.Asp1621= (NM_001318832.2); c.4833C>T, p.Asp1611= (NM_001363528.2); c.4899C>T, p.Asp1633= (NM_001370404.1); and 1 more.
Identifiers: ClinVar variation 238072 (VCV000238072.17), dbSNP rs878854113, ClinGen allele CA10583341.